The following is an entry in ClinVar:

NM_000383.4(AIRE):c.1592G>A (p.Trp531Ter)

Gene: AIRE (autoimmune regulator; plus strand). Cytogenetic location: 21q22.3.
Variant type: single nucleotide variant.
Coding change: c.1592G>A on transcript NM_000383.4 (MANE Select); coding-DNA position 1592, G replaced by A.
Protein change: p.Trp531Ter; replaces tryptophan 531 with a stop codon.
Molecular consequence: nonsense.
Genome position (GRCh38, 1-based): chr21:44,297,681, G>A. VCF-style: chr21-44297681-G-A. GRCh37 (hg19) VCF-style: chr21-45717564-G-A.
Other names: short protein forms W531*.
Identifiers: ClinVar variation 4818291 (VCV004818291.1).

ClinVar aggregate classification (germline): Likely pathogenic (1 of 4 stars; one submission).

Conditions:
Polyglandular autoimmune syndrome, type 1 (APS1). Also called: PGA I; Autoimmune polyendocrinopathy syndrome , type I, with or without reversible metaphyseal dysplasia; AUTOIMMUNE POLYENDOCRINE SYNDROME, TYPE I, WITH OR WITHOUT REVERSIBLE METAPHYSEAL DYSPLASIA; APS I; Whitaker syndrome; HYPOADRENOCORTICISM WITH HYPOPARATHYROIDISM AND SUPERFICIAL MONILIASIS. Identifiers: Orphanet 3453, MedGen C0085859, MONDO:0009411, OMIM 240300.

Submission:

Natera, Inc.
Classification: Likely pathogenic for Polyglandular autoimmune syndrome type 1. Last evaluated: 2025-09-05. Review status: criteria provided, single submitter. Criteria: Natera Variant Classification Schema (03/2026). Collection method: clinical testing. Allele origin: germline.
Comment: The c.1592G>A variant in AIRE is a nonsense variant predicted to introduce a stop codon at amino acid 531. This variant is expected to result in nonsense mediated decay, truncation, or a dysfunctional protein product. This variant is rare in the general population with a frequency below the threshold expected for the associated phenotype(s). Functional studies show that this variant may disrupt protein function (PMID: 17675238). Given the available evidence, this variant is classified as Likely Pathogenic.

Literature cited by the submitters: PubMed 17675238.